The following is an entry in ClinVar:

NM_001360.3(DHCR7):c.397G>T (p.Ala133Ser)

Gene: DHCR7 (7-dehydrocholesterol reductase; minus strand). Cytogenetic location: 11q13.4.
Variant type: single nucleotide variant.
Coding change: c.397G>T on transcript NM_001360.3 (MANE Select); coding-DNA position 397, G replaced by T.
Protein change: p.Ala133Ser; replaces alanine 133 with serine.
Molecular consequence: missense variant.
Genome position (GRCh38, 1-based): chr11:71,442,278, C>A on the plus strand (G>T on the coding strand, the complement: DHCR7 is on the minus strand). VCF-style: chr11-71442278-C-A. GRCh37 (hg19) VCF-style: chr11-71153324-C-A.
Other names: c.397G>T, p.Ala133Ser (NM_001163817.2, NM_001425107.1, NM_001425109.1 and 7 more transcripts); c.433G>T, p.Ala145Ser (NM_001425108.1); c.337G>T, p.Ala113Ser (NM_001425113.1); c.301G>T, p.Ala101Ser (NM_001425114.1, NM_001425116.1); c.223G>T, p.Ala75Ser (NM_001425117.1); short protein forms A101S, A113S, A133S, A145S, A75S.
Identifiers: ClinVar variation 3769656 (VCV003769656.1).

ClinVar aggregate classification (germline): Uncertain significance (1 of 4 stars; one submission).

Submission:

GeneDx
Classification: Uncertain significance. Last evaluated: 2024-09-11. Review status: criteria provided, single submitter. Criteria: GeneDx Variant Classification Process June 2021. Collection method: clinical testing. Allele origin: germline. Affected: yes.
Comment: Not observed at significant frequency in large population cohorts (gnomAD); In silico analysis indicates that this missense variant does not alter protein structure/function; Has not been previously published as pathogenic or benign to our knowledge